The following is an entry in ClinVar:

ClinVar aggregate classification (germline): Uncertain significance (1 of 4 stars; one submission).

Submission:

Labcorp Genetics (formerly Invitae), Labcorp
Classification: Uncertain significance. Last evaluated: 2024-01-04. Review status: criteria provided, single submitter. Criteria: Invitae Variant Classification Sherloc (09022015). Collection method: clinical testing. Allele origin: germline.
Comment: This sequence change replaces arginine, which is basic and polar, with serine, which is neutral and polar, at codon 526 of the GPR161 protein (p.Arg526Ser). This variant is not present in population databases (gnomAD no frequency). This variant has not been reported in the literature in individuals affected with GPR161-related conditions. An algorithm developed to predict the effect of missense changes on protein structure and function (PolyPhen-2) suggests that this variant is likely to be disruptive. In summary, the available evidence is currently insufficient to determine the role of this variant in disease. Therefore, it has been classified as a Variant of Uncertain Significance.

NM_001375883.1(GPR161):c.1518A>T (p.Arg506Ser)

Gene: GPR161 (G protein-coupled receptor 161; minus strand). Cytogenetic location: 1q24.2.
Variant type: single nucleotide variant.
Coding change: c.1518A>T on transcript NM_001375883.1 (MANE Select); coding-DNA position 1518, A replaced by T.
Protein change: p.Arg506Ser; replaces arginine 506 with serine.
Molecular consequence: missense variant.
Genome position (GRCh38, 1-based): chr1:168,085,603, T>A on the plus strand (A>T on the coding strand, the complement: GPR161 is on the minus strand). VCF-style: chr1-168085603-T-A. GRCh37 (hg19) VCF-style: chr1-168054841-T-A.
Other names: c.1578A>T, p.Arg526Ser (NM_001267609.1); c.1518A>T, p.Arg506Ser (NM_001267610.2, NM_001349632.1, NM_001349633.1 and 5 more transcripts); c.1569A>T, p.Arg523Ser (NM_001267611.1); c.1122A>T, p.Arg374Ser (NM_001267612.2, NM_001349635.1); c.1284A>T, p.Arg428Ser (NM_001267613.1); c.1176A>T, p.Arg392Ser (NM_001267614.1); short protein forms R392S, R374S, R428S, R523S, R506S, R526S.
Identifiers: ClinVar variation 2700274 (VCV002700274.3), dbSNP rs1694402783, ClinGen allele CA343096721.
Genomic context (GRCh38, chr1:168,085,603, plus strand): 5'-GGCAGCTAAAACATCTCCTTCTTCGATGCTCTGCAACTGCAGCCTCTGGCTCACAAGAGT[T>A]CTGCTGCCTCGGCGGCCCCCGAAGCCGCCCCCCGGGACAGTCCGTGCTGTAACCAAGACC-3'
Protein context (NP_001362812.1, residues 496-516): GGGFGGRRGS[Arg506Ser]TLVSQRLQLQ